The following is an entry in ClinVar:

ClinVar aggregate classification (germline): Uncertain significance (1 of 4 stars; one submission).

Conditions:
Hereditary nonpolyposis colorectal neoplasms. Identifiers: MedGen C0009405, MeSH D003123.

Submission:

Labcorp Genetics (formerly Invitae), Labcorp
Classification: Uncertain significance for Hereditary nonpolyposis colorectal neoplasms. Last evaluated: 2023-08-28. Review status: criteria provided, single submitter. Criteria: Invitae Variant Classification Sherloc (09022015). Collection method: clinical testing. Allele origin: germline.
Comment: This variant is not present in population databases (gnomAD no frequency). This sequence change replaces glutamic acid, which is acidic and polar, with glycine, which is neutral and non-polar, at codon 1324 of the MSH6 protein (p.Glu1324Gly). This variant has not been reported in the literature in individuals affected with MSH6-related conditions. Advanced modeling of protein sequence and biophysical properties (such as structural, functional, and spatial information, amino acid conservation, physicochemical variation, residue mobility, and thermodynamic stability) has been performed at Invitae for this missense variant, however the output from this modeling did not meet the statistical confidence thresholds required to predict the impact of this variant on MSH6 protein function. In summary, the available evidence is currently insufficient to determine the role of this variant in disease. Therefore, it has been classified as a Variant of Uncertain Significance.

NM_000179.3(MSH6):c.3971A>G (p.Glu1324Gly)

Gene: MSH6 (mutS homolog 6; plus strand). Cytogenetic location: 2p16.3.
Variant type: single nucleotide variant.
Coding change: c.3971A>G on transcript NM_000179.3 (MANE Select); coding-DNA position 3971, A replaced by G.
Protein change: p.Glu1324Gly; replaces glutamic acid 1324 with glycine.
Molecular consequence: missense variant. On other transcripts: non-coding transcript variant (5), intron variant (1).
Genome position (GRCh38, 1-based): chr2:47,806,621, A>G. VCF-style: chr2-47806621-A-G. GRCh37 (hg19) VCF-style: chr2-48033760-A-G.
Other names: c.3958A>G, p.Arg1320Gly (NM_001406800.1); c.3674A>G, p.Glu1225Gly (NM_001406801.1, NM_001406805.1, NM_001406818.1 and 10 more transcripts); c.3107A>G, p.Glu1036Gly (NM_001406803.1); c.3893A>G, p.Glu1298Gly (NM_001406804.1); c.3446A>G, p.Glu1149Gly (NM_001406806.1, NM_001406807.1, NM_001406799.1); c.3971A>G, p.Glu1324Gly (NM_001406808.1, NM_001406809.1, NM_001406796.1); c.3065A>G, p.Glu1022Gly (NM_001406811.1, NM_001406812.1, NM_001406814.1 and 6 more transcripts); c.3977A>G, p.Glu1326Gly (NM_001406813.1); and 9 more; short protein forms E1022G, E1298G, E1149G, E1194G, E1268G, E1324G, E1326G, E251G.
Identifiers: ClinVar variation 2850680 (VCV002850680.3), dbSNP rs1114167738, ClinGen allele CA346761563.